The following is an entry in ClinVar:

NM_001164508.2(NEB):c.2784del (p.Asp929fs)

Gene: NEB (nebulin; minus strand). Cytogenetic location: 2q23.3.
Variant type: Deletion.
Coding change: c.2784del on transcript NM_001164508.2 (MANE Select); coding-DNA position 2784, one base deleted (T; older notation c.2784delT).
Protein change: p.Asp929fs; shifts the reading frame from aspartic acid 929.
Molecular consequence: frameshift variant.
Genome position (GRCh38, 1-based): chr2:151,684,829, A deleted on the plus strand (T on the coding strand, the reverse complement: NEB is on the minus strand). VCF-style (leftmost placement, unchanged base first): chr2-151684828-CA-C. GRCh37 (hg19) VCF-style: chr2-152541342-CA-C.
Other names: c.2784del, p.Asp929fs (NM_001164507.2, NM_001271208.2, NM_004543.5); short protein forms D929fs.
Identifiers: ClinVar variation 188731 (VCV000188731.23), dbSNP rs786204430, ClinGen allele CA273895.
Genomic context (GRCh38, chr2:151,684,828, plus strand): 5'-GGTTACTCACATCGCTCTGCAGCGCATATGCCTTCTTGGCAAGGTCCACATTGATGCTAT[CA>C]GGGGGGTAGCTGTAACTGTGTAAGATGTGCTTATAATCAACGTCGCTGGCAATTGCCTGA-3'

ClinVar aggregate classification (germline): Pathogenic/Likely pathogenic. Review status: criteria provided, multiple submitters, no conflicts (2 of 4 stars). 10 submissions from 10 submitters: Pathogenic (7); Likely pathogenic (1). 2 of the submissions do not count toward it. Last evaluated 2025-09-01.

Conditions:
Arthrogryposis multiplex congenita 6. Identifiers: MedGen C5543431, MONDO:0030281, OMIM 619334.
Nemaline myopathy 2 (NEM2). Also called: Nemaline myopathy 2, autosomal recessive. Identifiers: MedGen C1850569, MONDO:0009725, OMIM 256030.
Nemaline myopathy. Also called: Myopathies, Nemaline. Identifiers: Orphanet 607, MedGen C0206157, MONDO:0018958.

Allele frequency attached by ClinVar (database versions not stated): gnomAD exomes below 0.00001; gnomAD 0.00001; TOPMed 0.00001.

Submissions (10):

Labcorp Genetics (formerly Invitae), Labcorp
Classification: Pathogenic for Nemaline myopathy 2. Last evaluated: 2025-09-01. Review status: criteria provided, single submitter. Criteria: Invitae Variant Classification Sherloc (09022015). Collection method: clinical testing. Allele origin: germline.
Comment: This sequence change creates a premature translational stop signal (p.Asp929Ilefs*28) in the NEB gene. It is expected to result in an absent or disrupted protein product. Loss-of-function variants in NEB are known to be pathogenic (PMID: 25205138). This variant is present in population databases (rs786204430, gnomAD 0.0009%). This premature translational stop signal has been observed in individual(s) with nemaline myopathy (PMID: 26197980). ClinVar contains an entry for this variant (Variation ID: 188731). Experimental studies and prediction algorithms are not available or were not evaluated, and the functional significance of this variant is currently unknown. For these reasons, this variant has been classified as Pathogenic.

3billion
Classification: Pathogenic for Nemaline myopathy 2. Last evaluated: 2025-05-26. Review status: criteria provided, single submitter. Criteria: ACMG Guidelines, 2015. Collection method: clinical testing. Allele origin: germline. Affected: yes.
Comment: The variant is observed at an extremely low frequency in the gnomAD v4.1.0 dataset (total allele frequency: <0.001%). Predicted Consequence/Location: Frameshift: predicted to result in a loss or disruption of normal protein function through nonsense-mediated decay (NMD) or protein truncation. Multiple pathogenic variants are reported downstream of the variant. The variant has been reported at least twice as pathogenic with clinical assertions and evidence for the classification (ClinVar ID: VCV000188731 /PMID: 16917880). Therefore, this variant is classified as Pathogenic according to the recommendation of ACMG/AMP guideline.

Dasa
Classification: Pathogenic. Last evaluated: 2025-01-05. Review status: criteria provided, single submitter. Criteria: DASA Assertion Criteria. Collection method: clinical testing. Allele origin: germline.
Comment: NM_001164508.2(NEB):c.2784del (p.Asp929Ilefs*28) introduces a premature termination codon predicted to result in loss of normal protein function. Loss-of-function is an established mechanism of disease for this gene. This variant has been reported in an affected individual with related phenotype in a genotype context consistent with recessive disease (PMID: 26197980). The variant is present at low frequency in population datasets. Based on the available data, this variant is classified as pathogenic.

Revvity Omics, Revvity
Classification: Likely pathogenic. Last evaluated: 2024-11-01. Review status: criteria provided, single submitter. Criteria: ACMG Guidelines, 2015. Collection method: clinical testing. Allele origin: germline.

Fulgent Genetics
Classification: Pathogenic for Nemaline myopathy 2; Arthrogryposis multiplex congenita 6. Last evaluated: 2024-04-23. Review status: criteria provided, single submitter. Criteria: ACMG Guidelines, 2015. Collection method: clinical testing. Allele origin: germline.

Genomic Medicine Center of Excellence, King Faisal Specialist Hospital and Research Centre
Classification: Pathogenic for Nemaline myopathy 2. Last evaluated: 2024-03-26. Review status: criteria provided, single submitter. Criteria: ACMG Guidelines, 2015. Collection method: clinical testing. Allele origin: germline.

Baylor Genetics
Classification: Pathogenic for Arthrogryposis multiplex congenita 6. Last evaluated: 2023-12-06. Review status: criteria provided, single submitter. Criteria: ACMG Guidelines, 2015. Collection method: clinical testing. Allele origin: unknown.

Women's Health and Genetics/Laboratory Corporation of America, LabCorp
Classification: Pathogenic for Nemaline myopathy. Last evaluated: 2017-02-23. Review status: criteria provided, single submitter. Criteria: LabCorp Variant Classification Summary - May 2015. Collection method: clinical testing. Allele origin: germline.
Comment: Variant summary: The NEB c.2784delT (p.Asp929Ilefs) variant results in a premature termination codon, predicted to cause a truncated or absent NEB protein due to nonsense mediated decay, which are commonly known mechanisms for disease. Truncations downstream of this position have been classified as likely pathogenic/pathogenic by our laboratory (e.g. c.11164C>T (p.Arg3722X), c.24218C>A (p.Ser8073X), and c.24559C>T (p.Arg8187X)). This variant is absent in 112170 control chromosomes. A publication cites the variant in an affected individual indicated to have severe NM, who was a compound heterozygote for the variant (paternally inherited) and a four-copy gain (maternally inherited). In addition, a clinical diagnostic laboratory classified the variant as "likely pathogenic", without evidence to independently evaluation. Taken together, the variant of interest has been classified as "pathogenic."

Natera, Inc.
Classification: Pathogenic for Nemaline myopathy type 2. Last evaluated: 2020-08-28. Review status: no assertion criteria provided. Collection method: clinical testing. Allele origin: germline. Not counted in ClinVar's aggregate classification.

Counsyl
Classification: Likely pathogenic for Nemaline myopathy 2. Last evaluated: 2014-03-22. Review status: no assertion criteria provided. Collection method: literature only. Allele origin: unknown. Inheritance: Autosomal recessive inheritance. Not counted in ClinVar's aggregate classification.

Literature cited by the submitters: PubMed 25205138 (cited by Labcorp Genetics (formerly Invitae), Labcorp); PubMed 26197980 (cited by 3 submitters); PubMed 16917880 (cited by 3 submitters).